The following is an entry in ClinVar:

NM_018646.6(TRPV6):c.1448G>A (p.Arg483Gln)

Gene: TRPV6 (transient receptor potential cation channel subfamily V member 6; minus strand). Cytogenetic location: 7q34.
Variant type: single nucleotide variant.
Coding change: c.1448G>A on transcript NM_018646.6 (MANE Select); coding-DNA position 1448, G replaced by A.
Protein change: p.Arg483Gln; replaces arginine 483 with glutamine.
Molecular consequence: missense variant.
Genome position (GRCh38, 1-based): chr7:142,874,615, C>T on the plus strand (G>A on the coding strand, the complement: TRPV6 is on the minus strand). VCF-style: chr7-142874615-C-T. GRCh37 (hg19) VCF-style: chr7-142572368-C-T.
Other names: short protein forms R483Q.
Identifiers: ClinVar variation 2982275 (VCV002982275.3), dbSNP rs1586187108, ClinGen allele CA369631249.

ClinVar aggregate classification (germline): Uncertain significance (1 of 4 stars; one submission).

Allele frequency attached by ClinVar (database versions not stated): gnomAD exomes below 0.00001; TOPMed below 0.00001; gnomAD 0.00001.
gnomAD v4.1: 5 of 1,613,948 alleles (0.00031%); highest among the groups gnomAD compares: South Asian, 0.0011%; no homozygotes.

Submission:

Labcorp Genetics (formerly Invitae), Labcorp
Classification: Uncertain significance. Last evaluated: 2024-01-26. Review status: criteria provided, single submitter. Criteria: Invitae Variant Classification Sherloc (09022015). Collection method: clinical testing. Allele origin: germline.
Comment: This sequence change replaces arginine, which is basic and polar, with glutamine, which is neutral and polar, at codon 483 of the TRPV6 protein (p.Arg483Gln). This variant is not present in population databases (gnomAD no frequency). This missense change has been observed in individual(s) with idiopathic chronic pancreatitis (PMID: 31930989, 34923708). Algorithms developed to predict the effect of variants on protein structure and function are not available or were not evaluated for this variant. Experimental studies have shown that this missense change affects TRPV6 function (PMID: 31930989). In summary, the available evidence is currently insufficient to determine the role of this variant in disease. Therefore, it has been classified as a Variant of Uncertain Significance.

Literature cited by the submitters: PubMed 31930989; PubMed 34923708.